The following continues an entry in ClinVar:

NM_058216.3(RAD51C):c.577C>T (p.Arg193Ter)

Gene: RAD51C. ClinVar aggregate classification (germline): Pathogenic/Likely pathogenic. Pathogenic (18); Likely pathogenic (5).

Submissions 11 to 26 of 26:

Genomics and Molecular Medicine Service, East Genomic Laboratory Hub, NHS Genomic Medicine Service
Classification: Likely pathogenic for Inherited ovarian cancer (without breast cancer). Last evaluated: 2024-07-01. Review status: criteria provided, single submitter. Criteria: ACGS Best Practice Guidelines for Variant Classification in Rare Disease 2020. Collection method: clinical testing. Allele origin: germline. Affected: yes.
Comment: PVS1,PM5_Supporting

Rady Children's Institute for Genomic Medicine, Rady Children's Hospital San Diego
Classification: Pathogenic for RAD51C-Related Disorders. Last evaluated: 2024-03-19. Review status: criteria provided, single submitter. Criteria: ACMG Guidelines, 2015. Collection method: clinical testing. Allele origin: germline. Affected: yes.
Comment: This nonsense variant found in exon 4 of 9 is predicted to result in loss of normal protein function through either protein truncation or nonsense-mediated mRNA decay. Loss-of-function variation in RAD51C is an established mechanism of disease (PMID: 30949688, 20400964, 21990120, 24800917). This variant has been previously reported as a heterozygous change in individuals with RAD51C-related disorders (PMID: 22538716, 26740214, 35988656, 36493725, 22725699, 25086635, 26261251). A synonymous change at the same residue (p.Arg193=) has been previously reported in individuals with breast cancer, ovarian cancer, and skin cutaneous melanoma (PMID: 36451132). The c.577C>T (p.Arg193Ter) variant is present in the heterozygous state in the gnomAD v4 population database at a frequency of 0.005% (67/1459502), and is absent in the homozygous state. Based on the available evidence, c.577C>T (p.Arg193Ter) is classified as Pathogenic.

Baylor Genetics
Classification: Pathogenic for Breast-ovarian cancer, familial, susceptibility to, 3. Last evaluated: 2024-02-01. Review status: criteria provided, single submitter. Criteria: ACMG Guidelines, 2015. Collection method: clinical testing. Allele origin: unknown.

Myriad Genetics, Inc.
Classification: Pathogenic for Breast-ovarian cancer, familial, susceptibility to, 3. Last evaluated: 2023-04-05. Review status: criteria provided, single submitter. Criteria: Myriad Autosomal Dominant, Autosomal Recessive and X-Linked Classification Criteria (2023). Collection method: clinical testing. Allele origin: unknown.
Comment: This variant is considered pathogenic. This variant creates a termination codon and is predicted to result in premature protein truncation.

MGZ Medical Genetics Center
Classification: Pathogenic for Breast-ovarian cancer, familial, susceptibility to, 3. Last evaluated: 2021-12-24. Review status: criteria provided, single submitter. Criteria: ACMG Guidelines, 2015. Collection method: clinical testing. Allele origin: germline. Affected: yes. Observed: 1 variant allele.
Comment: ACMG criteria applied: PVS1, PS4_SUP, PM2_SUP

Sema4
Classification: Pathogenic for Hereditary cancer-predisposing syndrome. Last evaluated: 2021-11-06. Review status: criteria provided, single submitter. Criteria: Sema4 Curation Guidelines. Collection method: curation. Allele origin: germline.
Comment: The RAD51C c.577C>T (p.R193X) variant has been reported in heterozygosity in numerous individuals with breast and/or ovarian cancer (PMID: 22538716, 23117857, 25086635, 26689913, 26740214, among others). The variant was identified in at least one family where it was found to segregate with the phenotype across one meioses (PMID: 22538716). The variant was also reported in at least 2 healthy individuals but age was not specified (PMID: 33471991). This nonsense variant creates a premature stop codon at residue 193 of the RAD51C protein. At this location, nonsense-mediated decay is predicted to occur, resulting in a loss of gene function. Loss of function variants in RAD51C are known to be pathogenic (PMID: 20400964). It was observed in 3/34576 chromosomes of the Latino (AMR) subpopulation, with no homozygotes, in the large and broad cohorts of the Genome Aggregation Database (PMID: 32461654), and has been reported in ClinVar (Variation ID: 140849). Based on the current evidence available, this variant is interpreted as pathogenic.

Quest Diagnostics Nichols Institute San Juan Capistrano
Classification: Pathogenic. Last evaluated: 2021-09-14. Review status: criteria provided, single submitter. Criteria: Quest Diagnostics criteria. Collection method: clinical testing. Allele origin: unknown.
Comment: This nonsense variant causes the premature termination of RAD51C protein synthesis. In addition, it has been reported in individuals/families with breast and/or ovarian cancer in the published literature (PMID: 32658311 (2021), 26976419 (2016), 26740214 (2016), 25086635 (2014), 22725699 (2013), 22538716 (2012)). Based on the available information, this variant is classified as pathogenic.

Institute of Medical Genetics and Applied Genomics, University Hospital Tübingen
Classification: Pathogenic. Last evaluated: 2020-10-23. Review status: criteria provided, single submitter. Criteria: ACMG Guidelines, 2015. Collection method: clinical testing. Allele origin: germline. Inheritance: Autosomal dominant inheritance. Affected: yes.

Greenwood Genetic Center Diagnostic Laboratories, Greenwood Genetic Center
Classification: Likely pathogenic. Last evaluated: 2020-08-03. Review status: criteria provided, single submitter. Criteria: ACMG Guidelines, 2015. Collection method: clinical testing. Allele origin: germline.

Illumina Laboratory Services, Illumina
Classification: Pathogenic for RAD51C-Related Disorders. Last evaluated: 2019-04-05. Review status: criteria provided, single submitter. Criteria: ICSL Variant Classification Criteria 09 May 2019. Collection method: clinical testing. Allele origin: germline.
Comment: The RAD51C c.577C>T (p.Arg193Ter) variant is a stop-gained variant predicted to result in premature termination of the protein. The p.Arg193Ter variant has been reported in at least five studies in which it is found in a heterozygous state in seven individuals diagnosed with ovarian cancer, two of whom are related (Loveday et al. 2012; Coulet et al. 2013; Blanco et al. 2014; Song et al. 2015; Jonson et al. 2016). All of these individuals have a family history of breast and/or ovarian cancer and are negative for variants in the BRCA1 and BRCA2 genes. The p.Arg193Ter variant was absent from 3,928 controls and is reported at a frequency of 0.00012 in the Latino population of the Genome Aggregation Database. Although the p.Arg193Ter variant has not been reported in the literature in individuals with Fanconi anemia, it cannot be ruled out of causing this condition based on allele frequency in consideration of disease penetrance and prevalence estimates. Based on the collective evidence and the potential impact of stop-gained variants, the p.Arg193Ter variant is classified as pathogenic for RAD51C-related disorders. This variant was observed by ICSL as part of a predisposition screen in an ostensibly healthy population.

Fulgent Genetics
Classification: Pathogenic for Fanconi anemia complementation group O; Breast-ovarian cancer, familial, susceptibility to, 3. Last evaluated: 2018-10-31. Review status: criteria provided, single submitter. Criteria: ACMG Guidelines, 2015. Collection method: clinical testing. Allele origin: unknown.

Women's Health and Genetics/Laboratory Corporation of America, LabCorp
Classification: Pathogenic for Hereditary breast ovarian cancer syndrome. Last evaluated: 2017-07-14. Review status: criteria provided, single submitter. Criteria: LabCorp Variant Classification Summary - May 2015. Collection method: clinical testing. Allele origin: germline.
Comment: Variant summary: The RAD51C c.577C>T (p.Arg193X) variant results in a premature termination codon, predicted to cause a truncated or absent RAD51C protein due to nonsense mediated decay, which are commonly known mechanisms for disease. This variant was found in 5/120882 control chromosomes at a frequency of 0.0000414, which does not exceed the estimated maximal expected allele frequency of a pathogenic RAD51C variant (0.0000625). Multiple publications have cited the variant in affected individuals, including a family that the variant cosegregated with disease (Blanco_2014). In addition, multiple clinical diagnostic laboratories/reputable databases classified this variant as pathogenic. Taken together, this variant is classified as pathogenic.

Juno Genomics, Hangzhou Juno Genomics, Inc
Classification: Pathogenic for Breast-ovarian cancer, familial, susceptibility to, 3; Fanconi anemia complementation group O. Review status: criteria provided, single submitter. Criteria: ACMG Guidelines, 2015. Collection method: clinical testing. Allele origin: germline.
Comment: Absent from controls (or at extremely low frequency if recessive) in Genome Aggregation Database.;Null variant in a gene where loss of function (LOF) is a known mechanism of disease.;The prevalence of the variant in affected individuals is significantly increased compared to the prevalence in controls.

BRCAlab, Lund University
Classification: Pathogenic for Breast-ovarian cancer, familial, susceptibility to, 3. Last evaluated: 2022-08-26. Review status: no assertion criteria provided. Collection method: clinical testing. Allele origin: germline. Affected: yes. Not counted in ClinVar's aggregate classification.

Medical Genetics Laboratory, Umraniye Training and Research Hospital, University of Health Sciences
Classification: Pathogenic for Breast carcinoma. Last evaluated: 2021-08-08. Review status: no assertion criteria provided. Collection method: clinical testing. Allele origin: germline. Inheritance: Autosomal dominant inheritance. Affected: yes. Observed: 1 variant allele, 1 heterozygote. Not counted in ClinVar's aggregate classification.

Counsyl
Classification: Pathogenic for Fanconi anemia complementation group O; Breast-ovarian cancer, familial, susceptibility to, 3. Last evaluated: 2017-02-13. Review status: no assertion criteria provided. Collection method: clinical testing. Allele origin: unknown. Not counted in ClinVar's aggregate classification.

Literature cited by the submitters: PubMed 20400964 (cited by Labcorp Genetics (formerly Invitae), Labcorp and Sema4); PubMed 21990120 (cited by Labcorp Genetics (formerly Invitae), Labcorp); PubMed 24800917 (cited by Labcorp Genetics (formerly Invitae), Labcorp); PubMed 29278735 (cited by Labcorp Genetics (formerly Invitae), Labcorp); PubMed 22538716 (cited by 8 submitters); PubMed 22725699 (cited by 6 submitters); PubMed 25086635 (cited by 8 submitters); PubMed 26261251 (cited by 6 submitters); PubMed 26740214 (cited by 9 submitters); PubMed 26976419 (cited by 4 submitters); PubMed 30949688 (cited by Color Diagnostics, LLC DBA Color Health and Ambry Genetics); PubMed 32658311 (cited by 3 submitters); PubMed 33471991 (cited by 3 submitters); PubMed 24240112 (cited by Institute for Genomic Medicine (IGM) Clinical Laboratory, Nationwide Children's Hospital and Ambry Genetics); PubMed 23117857 (cited by Ambry Genetics and Sema4); PubMed 25470109 (cited by Ambry Genetics); PubMed 26681312 (cited by Ambry Genetics and Women's Health and Genetics/Laboratory Corporation of America, LabCorp); PubMed 26689913 (cited by Ambry Genetics and Sema4); PubMed 28588062 (cited by Ambry Genetics); PubMed 30847381 (cited by Ambry Genetics); PubMed 33077847 (cited by Ambry Genetics).